The following is an entry in ClinVar:

NM_014974.3(DIP2C):c.4457T>C (p.Val1486Ala)

Gene: DIP2C (DIP2 acetate--CoA ligase C (putative); minus strand). Cytogenetic location: 10p15.3.
Variant type: single nucleotide variant.
Coding change: c.4457T>C on transcript NM_014974.3 (MANE Select); coding-DNA position 4457, T replaced by C.
Protein change: p.Val1486Ala; replaces valine 1486 with alanine.
Molecular consequence: missense variant.
Genome position (GRCh38, 1-based): chr10:277,539, A>G on the plus strand (T>C on the coding strand, the complement: DIP2C is on the minus strand). VCF-style: chr10-277539-A-G. GRCh37 (hg19) VCF-style: chr10-323479-A-G.
Other names: short protein forms V1486A.
Identifiers: ClinVar variation 1972218 (VCV001972218.5), dbSNP rs149591063, ClinGen allele CA201909766.

ClinVar aggregate classification (germline): Uncertain significance (1 of 4 stars; one submission).

Allele frequency attached by ClinVar (database versions not stated): gnomAD 0.00001; gnomAD exomes 0.00001; TOPMed 0.00001; ESP Exome Variant Server 0.00008.
gnomAD v4.1: 9 of 1,614,046 alleles (0.00056%); highest among the groups gnomAD compares: Non-Finnish European, 0.00076%; no homozygotes.

Submission:

Labcorp Genetics (formerly Invitae), Labcorp
Classification: Uncertain significance. Last evaluated: 2025-10-18. Review status: criteria provided, single submitter. Criteria: Invitae Variant Classification Sherloc (09022015). Collection method: clinical testing. Allele origin: germline.
Comment: This sequence change replaces valine, which is neutral and non-polar, with alanine, which is neutral and non-polar, at codon 1486 of the DIP2C protein (p.Val1486Ala). This variant is present in population databases (rs149591063, gnomAD 0.0009%). This variant has not been reported in the literature in individuals affected with DIP2C-related conditions. ClinVar contains an entry for this variant (Variation ID: 1972218). An algorithm developed to predict the effect of missense changes on protein structure and function (PolyPhen-2) suggests that this variant is likely to be tolerated. In summary, the available evidence is currently insufficient to determine the role of this variant in disease. Therefore, it has been classified as a Variant of Uncertain Significance.